The following is an entry in ClinVar:

ClinVar aggregate classification (germline): Uncertain significance (1 of 4 stars; one submission).

Conditions:
Inborn genetic diseases. Identifiers: MedGen C0950123, MeSH D030342.

Submission:

Ambry Genetics
Classification: Uncertain significance for Inborn genetic diseases. Last evaluated: 2025-03-25. Review status: criteria provided, single submitter. Criteria: Ambry Variant Classification Scheme 2023. Collection method: clinical testing. Allele origin: germline.
Comment: The p.S877I variant (also known as c.2630G>T), located in coding exon 16 of the CDH2 gene, results from a G to T substitution at nucleotide position 2630. The serine at codon 877 is replaced by isoleucine, an amino acid with dissimilar properties. This amino acid position is conserved. In addition, the in silico prediction for this alteration is inconclusive. Based on the available evidence, the clinical significance of this variant remains unclear.

NM_001792.5(CDH2):c.2630G>T (p.Ser877Ile)

Genes: CDH2 (cadherin 2; minus strand), CDH2-AS1 (CDH2 antisense RNA 1; plus strand). Cytogenetic location: 18q12.1.
Variant type: single nucleotide variant.
Coding change: c.2630G>T on transcript NM_001792.5 (MANE Select); coding-DNA position 2630, G replaced by T.
Protein change: p.Ser877Ile; replaces serine 877 with isoleucine.
Molecular consequence: missense variant.
Genome position (GRCh38, 1-based): chr18:27,952,244, C>A on the plus strand (G>T on the coding strand, the complement: CDH2 is on the minus strand). VCF-style: chr18-27952244-C-A. GRCh37 (hg19) VCF-style: chr18-25532208-C-A.
Other names: c.2537G>T, p.Ser846Ile (NM_001308176.2); short protein forms S846I, S877I.
Identifiers: ClinVar variation 3998899 (VCV003998899.1).